The following is an entry in ClinVar:

ClinVar aggregate classification (germline): Uncertain significance (1 of 4 stars; one submission).

Submission:

GeneDx
Classification: Uncertain significance. Last evaluated: 2025-04-01. Review status: criteria provided, single submitter. Criteria: GeneDx Variant Classification Process June 2021. Collection method: clinical testing. Allele origin: germline.
Comment: Not observed at significant frequency in large population cohorts (gnomAD); Frameshift variant predicted to result in abnormal protein length as the last 118 amino acids are replaced with 67 different amino acids; Has not been previously published as pathogenic or benign to our knowledge

NM_001792.5(CDH2):c.2365del (p.Gln789fs)

Genes: CDH2 (cadherin 2; minus strand), CDH2-AS1 (CDH2 antisense RNA 1; plus strand). Cytogenetic location: 18q12.1.
Variant type: Deletion.
Coding change: c.2365del on transcript NM_001792.5 (MANE Select); coding-DNA position 2365, one base deleted (C; older notation c.2365delC).
Protein change: p.Gln789fs; shifts the reading frame from glutamine 789.
Molecular consequence: frameshift variant.
Genome position (GRCh38, 1-based): chr18:27,963,506, G deleted on the plus strand (C on the coding strand, the reverse complement: CDH2 is on the minus strand); the first of 2 consecutive G bases (chr18:27,963,506-27,963,507); deleting either gives the same sequence. VCF-style (leftmost placement, unchanged base first): chr18-27963505-TG-T. GRCh37 (hg19) VCF-style: chr18-25543469-TG-T.
Other names: c.2272del, p.Gln758fs (NM_001308176.2); short protein forms Q758fs, Q789fs.
Identifiers: ClinVar variation 3769764 (VCV003769764.2).
Genomic context (GRCh38, chr18:27,963,505, plus strand): 5'-ATTCGTCGGATTCCCACAGGCTTGATGGCATCAGGCTCCACAGTGTCAGGCTGCTGCAGC[TG>T]GCTCAAGTCATAGTCCTGCAAAAAGACAAAATCAAAAACCGATGGGAGATGGGCACAAAG-3'